The following is an entry in ClinVar:

NM_000090.4(COL3A1):c.2035G>A (p.Ala679Thr)

Gene: COL3A1 (collagen type III alpha 1 chain; plus strand). Cytogenetic location: 2q32.2.
Variant type: single nucleotide variant.
Coding change: c.2035G>A on transcript NM_000090.4 (MANE Select); coding-DNA position 2035, G replaced by A.
Protein change: p.Ala679Thr; replaces alanine 679 with threonine.
Molecular consequence: missense variant.
Genome position (GRCh38, 1-based): chr2:188,999,297, G>A. VCF-style: chr2-188999297-G-A. GRCh37 (hg19) VCF-style: chr2-189864023-G-A.
Other names: p.A679T:GCC>ACC; short protein forms A679T.
Identifiers: ClinVar variation 35964 (VCV000035964.79), dbSNP rs41263773, ClinGen allele CA004914.
Genomic context (GRCh38, chr2:188,999,297, plus strand): 5'-TTTAGCTTTGGGTTGTCTAATATGGTTATTTACATATTTTTGTCACAGGGTGATGCTGGT[G>A]CCCCTGGTGAACGTGGACCTCCTGGATTGGCAGGGGCCCCAGGACTTAGAGGTGGAGCTG-3'
Protein context (NP_000081.2, residues 669-689): GAPGGKGDAG[Ala679Thr]PGERGPPGLA

ClinVar aggregate classification (germline): Benign/Likely benign. Review status: criteria provided, multiple submitters, no conflicts (2 of 4 stars). 18 submissions from 18 submitters: Benign (11); Likely benign (5). 2 of the submissions do not count toward it. Last evaluated 2026-08-01.

Conditions:
Ehlers-Danlos syndrome, type 4 (EDSVASC). Also called: Ehlers-Danlos syndrome vascular type; Ehlers Danlos syndrome, ecchymotic type; Ehlers Danlos syndrome, arterial type; Ehlers Danlos syndrome, Sack-Barabas type; Ehlers-Danlos Syndrome Type IV. Identifiers: Orphanet 286, MedGen C0268338, MONDO:0017314, OMIM 130050.
Polymicrogyria with or without vascular-type Ehlers-Danlos syndrome. Identifiers: Orphanet 636941, MedGen C5193040, MONDO:0032688, OMIM 618343.
Ehlers-Danlos syndrome (EDS). Identifiers: Orphanet 98249, MedGen C0013720, MONDO:0020066.
Familial aortopathy. Identifiers: MedGen CN078214.
Familial thoracic aortic aneurysm and aortic dissection (TAAD). Also called: Thoracic aortic aneurysms and dissections. Identifiers: Orphanet 91387, MedGen C4707243, MONDO:0019625.

Allele frequency attached by ClinVar (database versions not stated): 1000 Genomes Project 0.00180; TOPMed 0.00470; gnomAD exomes 0.00753 and 0.00550; 1000 Genomes Project 30x 0.00187; ESP Exome Variant Server 0.00508; ExAC 0.01369; gnomAD 0.00584 and 0.00608.
gnomAD v4.1: 11,465 of 1,576,684 alleles (0.73%); highest among the groups gnomAD compares: Non-Finnish European, 0.88%; 59 homozygotes.

Submissions (18):

CeGaT Center for Human Genetics Tuebingen
Classification: Likely benign. Last evaluated: 2026-08-01. Review status: criteria provided, single submitter. Criteria: CeGaT Center For Human Genetics Tuebingen Variant Classification Criteria Version 2. Collection method: clinical testing. Allele origin: germline. Affected: yes. Observed: 78 variant alleles.
Comment: COL3A1: BS2

Labcorp Genetics (formerly Invitae), Labcorp
Classification: Benign for Ehlers-Danlos syndrome, type 4. Last evaluated: 2026-02-03. Review status: criteria provided, single submitter. Criteria: Invitae Variant Classification Sherloc (09022015). Collection method: clinical testing. Allele origin: germline.

ARUP Laboratories, Molecular Genetics and Genomics, ARUP Laboratories
Classification: Benign. Last evaluated: 2025-07-22. Review status: criteria provided, single submitter. Criteria: ARUP Molecular Germline Variant Investigation Process 2024. Collection method: clinical testing. Allele origin: germline.

Molecular Diagnostic Laboratory for Inherited Cardiovascular Disease, Montreal Heart Institute
Classification: Likely benign. Last evaluated: 2025-04-09. Review status: criteria provided, single submitter. Criteria: ACMG Guidelines, 2015. Collection method: clinical testing. Allele origin: germline. Affected: no.

Blueprint Genetics
Classification: Likely benign. Last evaluated: 2024-11-21. Review status: criteria provided, single submitter. Criteria: ACMG Guidelines, 2015. Collection method: clinical testing. Allele origin: germline.

Mayo Clinic Laboratories, Mayo Clinic
Classification: Benign. Last evaluated: 2023-07-13. Review status: criteria provided, single submitter. Criteria: ACMG Guidelines, 2015. Collection method: clinical testing. Allele origin: germline. Observed: 73 variant alleles.
Comment: BS1, BS2, BP4

Genome Diagnostics Laboratory, The Hospital for Sick Children
Classification: Benign for Ehlers-Danlos syndrome. Last evaluated: 2022-07-16. Review status: criteria provided, single submitter. Criteria: ACMG Guidelines, 2015. Collection method: clinical testing. Allele origin: germline.

Fulgent Genetics
Classification: Benign for Ehlers-Danlos syndrome, type 4; Polymicrogyria with or without vascular-type Ehlers-Danlos syndrome. Last evaluated: 2022-05-10. Review status: criteria provided, single submitter. Criteria: ACMG Guidelines, 2015. Collection method: clinical testing. Allele origin: unknown.

Ambry Genetics
Classification: Benign for Familial thoracic aortic aneurysm and aortic dissection. Last evaluated: 2019-05-17. Review status: criteria provided, single submitter. Criteria: Ambry Variant Classification Scheme 2023. Collection method: clinical testing. Allele origin: germline.

GeneDx
Classification: Benign. Last evaluated: 2018-08-22. Review status: criteria provided, single submitter. Criteria: GeneDx Variant Classification Process June 2021. Collection method: clinical testing. Allele origin: germline. Affected: yes.
Comment: This variant is associated with the following publications: (PMID: 18272325, 28655553)

Color Diagnostics, LLC DBA Color Health
Classification: Benign for Familial thoracic aortic aneurysm and aortic dissection. Last evaluated: 2018-03-14. Review status: criteria provided, single submitter. Criteria: ACMG Guidelines, 2015. Collection method: clinical testing. Allele origin: germline.

Illumina Laboratory Services, Illumina
Classification: Benign for Ehlers-Danlos syndrome, type 4. Last evaluated: 2018-01-13. Review status: criteria provided, single submitter. Criteria: ICSL Variant Classification Criteria 13 December 2019. Collection method: clinical testing. Allele origin: germline.
Comment: This variant was observed in the ICSL laboratory as part of a predisposition screen in an ostensibly healthy population. It had not been previously curated by ICSL or reported in the Human Gene Mutation Database (HGMD: prior to June 1st, 2018), and was therefore a candidate for classification through an automated scoring system. Utilizing variant allele frequency, disease prevalence and penetrance estimates, and inheritance mode, an automated score was calculated to assess if this variant is too frequent to cause the disease. Based on the score and internal cut-off values, a variant classified as benign is not then subjected to further curation. The score for this variant resulted in a classification of benign for this disease.

CHEO Genetics Diagnostic Laboratory, Children's Hospital of Eastern Ontario
Classification: Benign for Familial thoracic aortic aneurysm and aortic dissection. Last evaluated: 2016-04-27. Review status: criteria provided, single submitter. Criteria: ACMG Guidelines, 2015. Collection method: clinical testing. Allele origin: germline. Study: Canadian Open Genetics Repository.

Women's Health and Genetics/Laboratory Corporation of America, LabCorp
Classification: Likely benign for Aortopathy. Last evaluated: 2011-08-18. Review status: criteria provided, single submitter. Criteria: LabCorp Variant Classification Summary - May 2015. Collection method: curation. Allele origin: germline. Inheritance: autosomal unknown. Affected: yes.
ClinVar note: Converted during submission from likely benign to Likely benign.

Breakthrough Genomics
Classification: Likely benign. Review status: criteria provided, single submitter. Criteria: ACMG Guidelines, 2015. Collection method: not provided. Allele origin: germline. Inheritance: Autosomal recessive inheritance. Affected: yes.

PreventionGenetics, part of Exact Sciences
Classification: Benign. Review status: criteria provided, single submitter. Criteria: ACMG Guidelines, 2015. Collection method: clinical testing. Allele origin: germline.

Clinical Genetics DNA and cytogenetics Diagnostics Lab, Erasmus MC, Erasmus Medical Center
Classification: Benign. Review status: no assertion criteria provided. Collection method: clinical testing. Allele origin: germline. Affected: yes. Study: VKGL Data-share Consensus. Not counted in ClinVar's aggregate classification.

Genome Diagnostics Laboratory, University Medical Center Utrecht
Classification: Benign. Review status: no assertion criteria provided. Collection method: clinical testing. Allele origin: germline. Affected: yes. Study: VKGL Data-share Consensus. Not counted in ClinVar's aggregate classification.

Literature cited by the submitters: PubMed 28655553 (cited by Mayo Clinic Laboratories, Mayo Clinic); PubMed 33974636 (cited by Mayo Clinic Laboratories, Mayo Clinic); PubMed 34453356 (cited by Mayo Clinic Laboratories, Mayo Clinic); PubMed 18272325 (cited by Ambry Genetics).